The following is an entry in ClinVar:

NM_001008537.3(NEXMIF):c.3227C>A (p.Thr1076Asn)

Gene: NEXMIF (neurite extension and migration factor; minus strand). Cytogenetic location: Xq13.3.
Variant type: single nucleotide variant.
Coding change: c.3227C>A on transcript NM_001008537.3 (MANE Select); coding-DNA position 3227, C replaced by A.
Protein change: p.Thr1076Asn; replaces threonine 1076 with asparagine.
Molecular consequence: missense variant.
Genome position (GRCh38, 1-based): chrX:74,741,330, G>T on the plus strand (C>A on the coding strand, the complement: NEXMIF is on the minus strand). VCF-style: chrX-74741330-G-T. GRCh37 (hg19) VCF-style: chrX-73961165-G-T.
Other names: short protein forms T1076N.
Identifiers: ClinVar variation 949038 (VCV000949038.9), dbSNP rs2080102579, ClinGen allele CA413666427.

ClinVar aggregate classification (germline): Uncertain significance (1 of 4 stars; one submission).

Allele frequency attached by ClinVar (database versions not stated): gnomAD exomes below 0.00001.
gnomAD v4.1: 2 of 1,211,283 alleles (0.00017%); highest among the groups gnomAD compares: South Asian, 0.0035%; no homozygotes.

Submission:

Labcorp Genetics (formerly Invitae), Labcorp
Classification: Uncertain significance. Last evaluated: 2022-03-15. Review status: criteria provided, single submitter. Criteria: Invitae Variant Classification Sherloc (09022015). Collection method: clinical testing. Allele origin: germline.
Comment: ClinVar contains an entry for this variant (Variation ID: 949038). In summary, the available evidence is currently insufficient to determine the role of this variant in disease. Therefore, it has been classified as a Variant of Uncertain Significance. Algorithms developed to predict the effect of missense changes on protein structure and function (SIFT, PolyPhen-2, Align-GVGD) all suggest that this variant is likely to be disruptive. This variant has not been reported in the literature in individuals affected with KIAA2022-related conditions. This variant is not present in population databases (gnomAD no frequency). This sequence change replaces threonine, which is neutral and polar, with asparagine, which is neutral and polar, at codon 1076 of the KIAA2022 protein (p.Thr1076Asn).